The following is an entry in ClinVar:

ClinVar aggregate classification (germline): Benign/Likely benign. Review status: criteria provided, multiple submitters, no conflicts (2 of 4 stars). 6 submissions from 5 submitters: Benign (4); Likely benign (1). 1 of the submissions does not count toward it. Last evaluated 2025-11-14.

Conditions:
KRT1-related disorder. Also called: KRT1-related condition.
Epidermolytic ichthyosis. Also called: KRT10-Related Epidermolytic Hyperkeratosis; Epidermolytic Hyperkeratosis; Bullous ichthyosiform erythroderma; Congenital bullous ichthyosiform erythroderma. Identifiers: Orphanet 312, MedGen C0079153, MONDO:0007239, HP:0007475.
Diffuse nonepidermolytic palmoplantar keratoderma (NEPPK). Also called: Nonepidermolytic palmoplantar hyperkeratosis; Nonepidermolytic palmoplantar keratoderma. Identifiers: Orphanet 530838, MedGen C1833030, MONDO:0010962, OMIM 600962, HP:0007404.

Allele frequency attached by ClinVar (database versions not stated): gnomAD 0.00017 and 0.00018; gnomAD exomes 0.00022 and 0.00103; TOPMed 0.00056; ExAC 0.00087.
gnomAD v4.1: 337 of 1,614,088 alleles (0.021%); highest among the groups gnomAD compares: Admixed American, 0.55%; 1 homozygote.

Submissions (6):

Labcorp Genetics (formerly Invitae), Labcorp
Classification: Benign. Last evaluated: 2025-11-14. Review status: criteria provided, single submitter. Criteria: Invitae Variant Classification Sherloc (09022015). Collection method: clinical testing. Allele origin: germline.

Blueprint Genetics
Classification: Likely benign. Last evaluated: 2022-10-31. Review status: criteria provided, single submitter. Criteria: ACMG Guidelines, 2015. Collection method: clinical testing. Allele origin: germline.

Illumina Laboratory Services, Illumina
Classification: Benign for Epidermolytic hyperkeratosis 1. Last evaluated: 2018-01-13. Review status: criteria provided, single submitter. Criteria: ICSL Variant Classification Criteria 13 December 2019. Collection method: clinical testing. Allele origin: germline.
Comment: This variant was observed in the ICSL laboratory as part of a predisposition screen in an ostensibly healthy population. It had not been previously curated by ICSL or reported in the Human Gene Mutation Database (HGMD: prior to June 1st, 2018), and was therefore a candidate for classification through an automated scoring system. Utilizing variant allele frequency, disease prevalence and penetrance estimates, and inheritance mode, an automated score was calculated to assess if this variant is too frequent to cause the disease. Based on the score and internal cut-off values, a variant classified as benign is not then subjected to further curation. The score for this variant resulted in a classification of benign for this disease.

Illumina Laboratory Services, Illumina
Classification: Benign for Diffuse nonepidermolytic palmoplantar keratoderma. Last evaluated: 2018-01-13. Review status: criteria provided, single submitter. Criteria: ICSL Variant Classification Criteria 13 December 2019. Collection method: clinical testing. Allele origin: germline.
Comment: the same text as in the submission from Illumina Laboratory Services, Illumina above.

Breakthrough Genomics
Classification: Benign. Review status: criteria provided, single submitter. Criteria: ACMG Guidelines, 2015. Collection method: not provided. Allele origin: germline. Inheritance: Autosomal dominant inheritance. Affected: yes.

PreventionGenetics, part of Exact Sciences
Classification: Benign for KRT1-related condition. Last evaluated: 2020-03-03. Review status: no assertion criteria provided. Collection method: clinical testing. Allele origin: germline. Not counted in ClinVar's aggregate classification.
Comment: This variant is classified as benign based on ACMG/AMP sequence variant interpretation guidelines (Richards et al. 2015 PMID: 25741868, with internal and published modifications).

NM_006121.4(KRT1):c.1031G>A (p.Ser344Asn)

Gene: KRT1 (keratin 1; minus strand). Cytogenetic location: 12q13.13.
Variant type: single nucleotide variant.
Coding change: c.1031G>A on transcript NM_006121.4 (MANE Select); coding-DNA position 1031, G replaced by A.
Protein change: p.Ser344Asn; replaces serine 344 with asparagine.
Molecular consequence: missense variant.
Genome position (GRCh38, 1-based): chr12:52,677,413, C>T on the plus strand (G>A on the coding strand, the complement: KRT1 is on the minus strand). VCF-style: chr12-52677413-C-T. GRCh37 (hg19) VCF-style: chr12-53071197-C-T.
Other names: short protein forms S344N.
Identifiers: ClinVar variation 309647 (VCV000309647.18), dbSNP rs769218372, ClinGen allele CA6586275.
Genomic context (GRCh38, chr12:52,677,413, plus strand): 5'-TTCTGGGCTATATCCTCGTACTGGGCCTTGACCTCAGCAATGATGCTGTCCAGGTCGAGA[C>T]TGCGGTTGTTGTCCATAGAGAGGATGACATTAGTTTCACTGATTTGAGTCTGCATCTGAG-3'
Protein context (NP_006112.3, residues 334-354): NVILSMDNNR[Ser344Asn]LDLDSIIAEV